The following is an entry in ClinVar:

NM_007294.4(BRCA1):c.5142T>G (p.Val1714=)

Gene: BRCA1 (BRCA1 DNA repair associated; minus strand). Cytogenetic location: 17q21.31.
Variant type: single nucleotide variant.
Coding change: c.5142T>G on transcript NM_007294.4 (MANE Select); coding-DNA position 5142, T replaced by G.
Protein change: p.Val1714=; no amino-acid change (valine 1714 retained).
Molecular consequence: synonymous variant. On other transcripts: intron variant (2).
Genome position (GRCh38, 1-based): chr17:43,063,884, A>C on the plus strand (T>G on the coding strand, the complement: BRCA1 is on the minus strand). VCF-style: chr17-43063884-A-C. GRCh37 (hg19) VCF-style: chr17-41215901-A-C.
Other names: c.4929T>G, p.Val1643= (NM_001407571.1, NM_001407894.1, NM_001407895.1 and 12 more transcripts); c.5208T>G, p.Val1736= (NM_001407581.1, NM_001407582.1); c.5205T>G, p.Val1735= (NM_001407583.1, NM_001407585.1, NM_001407587.1 and 1 more transcripts); c.5202T>G, p.Val1734= (NM_001407590.1, NM_001407591.1); c.5142T>G, p.Val1714= (NM_001407593.1, NM_001407594.1, NM_001407596.1 and 7 more transcripts); c.5139T>G, p.Val1713= (NM_001407610.1, NM_001407611.1, NM_001407612.1 and 17 more transcripts); c.5136T>G, p.Val1712= (NM_001407627.1, NM_001407628.1, NM_001407629.1 and 14 more transcripts); c.5133T>G, p.Val1711= (NM_001407644.1, NM_001407645.1); and 73 more.
Identifiers: ClinVar variation 240817 (VCV000240817.22), dbSNP rs749319480, ClinGen allele CA053968.
Genomic context (GRCh38, chr17:43,063,884, plus strand): 5'-GCAATTCTGAGGTGTTAAAGGGAGGAGGGGAGAAATAGTATTATACTTACAGAAATAGCT[A>C]ACTACCCATTTTCCTCCCGCAATTCCTAGAAAATATTTCAGTGTCCGTTCACACACAAAC-3'
Protein context (NP_009225.1, residues 1704-1724): FLGIAGGKWV[Val1714=]SYFWVTQSIK

ClinVar aggregate classification (germline): Likely benign. Review status: reviewed by expert panel (3 of 4 stars). 5 submissions from 5 submitters: Likely benign (1). 4 of the submissions do not count toward it. Last evaluated 2017-06-29.

Conditions:
Hereditary cancer-predisposing syndrome. Also called: Hereditary Cancer Syndrome; Neoplastic Syndromes, Hereditary; Hereditary neoplastic syndrome; Tumor predisposition. Identifiers: Orphanet 140162, MedGen C0027672, MeSH D009386, MONDO:0015356.
Hereditary breast ovarian cancer syndrome. Also called: Hereditary breast and ovarian cancer syndrome (HBOC); Breast and ovarian cancer; Hereditary breast and ovarian cancer syndrome; Hereditary breast and ovarian cancer; BRCA1- and BRCA2-Associated Hereditary Breast and Ovarian Cancer; Hereditary breast and/or ovarian cancer syndrome. Identifiers: Orphanet 145, MedGen C0677776, MeSH D061325, MONDO:0003582. Disease mechanism: loss of function.
Breast-ovarian cancer, familial, susceptibility to, 1 (BROVCA1). Also called: BRCA1 Hereditary Breast and Ovarian Cancer; OVARIAN CANCER, SUSCEPTIBILITY TO. Identifiers: Orphanet 145, MedGen C2676676, MONDO:0011450, OMIM 604370. Disease mechanism: loss of function.

Allele frequency attached by ClinVar (database versions not stated): gnomAD exomes below 0.00001; ExAC 0.00001.

Submissions (6):

Evidence-based Network for the Interpretation of Germline Mutant Alleles (ENIGMA)
Classification: Likely benign for Breast-ovarian cancer, familial, susceptibility to, 1. Last evaluated: 2017-06-29. Review status: reviewed by expert panel. Criteria: ENIGMA BRCA1/2 Classification Criteria (2017-06-29). Collection method: curation. Allele origin: germline.
Comment: Synonymous substitution variant, with low bioinformatic likelihood to result in a splicing aberration (Splicing prior probability 0.02).

Women's Health and Genetics/Laboratory Corporation of America, LabCorp
Classification: Likely benign. Last evaluated: 2024-12-06. Review status: criteria provided, single submitter. Criteria: LabCorp Variant Classification Summary - May 2015. Collection method: clinical testing. Allele origin: germline. Not counted in ClinVar's aggregate classification.

Labcorp Genetics (formerly Invitae), Labcorp
Classification: Likely benign for Hereditary breast ovarian cancer syndrome. Last evaluated: 2024-07-30. Review status: criteria provided, single submitter. Criteria: Invitae Variant Classification Sherloc (09022015). Collection method: clinical testing. Allele origin: germline. Not counted in ClinVar's aggregate classification.

Color Diagnostics, LLC DBA Color Health
Classification: Likely benign for Hereditary cancer-predisposing syndrome. Last evaluated: 2019-06-04. Review status: criteria provided, single submitter. Criteria: ACMG Guidelines, 2015. Collection method: clinical testing. Allele origin: germline. Not counted in ClinVar's aggregate classification.

Ambry Genetics
Classification: Likely benign for Hereditary cancer-predisposing syndrome. Last evaluated: 2016-02-08. Review status: criteria provided, single submitter. Criteria: Ambry Variant Classification Scheme 2023. Collection method: clinical testing. Allele origin: germline. Not counted in ClinVar's aggregate classification.

Brotman Baty Institute, University of Washington
No classification provided (evidence only). Condition: Breast-ovarian cancer, familial 1. Review status: no classification provided. Collection method: in vitro. Allele origin: not applicable. Functional consequence: functionally_normal. Not counted in ClinVar's aggregate classification.
ClinVar note: "not provided" was previously submitted as the classification for the variant. However, the classification appeared to be based only on an observation of functional data so it was converted to no classification on 2025-07-30.

Literature cited by the submitters: PubMed 25141179 (cited by Women's Health and Genetics/Laboratory Corporation of America, LabCorp).